The following is an entry in ClinVar:

ClinVar aggregate classification (germline): Uncertain significance (1 of 4 stars; one submission).

Submission:

Labcorp Genetics (formerly Invitae), Labcorp
Classification: Uncertain significance. Last evaluated: 2025-10-21. Review status: criteria provided, single submitter. Criteria: Invitae Variant Classification Sherloc (09022015). Collection method: clinical testing. Allele origin: germline.
Comment: This sequence change replaces arginine, which is basic and polar, with cysteine, which is neutral and slightly polar, at codon 191 of the MBTPS1 protein (p.Arg191Cys). This variant is present in population databases (rs150338981, gnomAD 0.2%). This variant has not been reported in the literature in individuals affected with MBTPS1-related conditions. An algorithm developed to predict the effect of missense changes on protein structure and function (PolyPhen-2) suggests that this variant is likely to be disruptive. In summary, the available evidence is currently insufficient to determine the role of this variant in disease. Therefore, it has been classified as a Variant of Uncertain Significance.

NM_003791.4(MBTPS1):c.571C>T (p.Arg191Cys)

Gene: MBTPS1 (membrane bound transcription factor peptidase, site 1; minus strand). Cytogenetic location: 16q23.3.
Variant type: single nucleotide variant.
Coding change: c.571C>T on transcript NM_003791.4 (MANE Select); coding-DNA position 571, C replaced by T.
Protein change: p.Arg191Cys; replaces arginine 191 with cysteine.
Molecular consequence: missense variant.
Genome position (GRCh38, 1-based): chr16:84,095,656, G>A on the plus strand (C>T on the coding strand, the complement: MBTPS1 is on the minus strand). VCF-style: chr16-84095656-G-A. GRCh37 (hg19) VCF-style: chr16-84129261-G-A.
Other names: short protein forms R191C.
Identifiers: ClinVar variation 4809936 (VCV004809936.1).